The following is an entry in ClinVar:

NM_152703.5(SAMD9L):c.3087C>G (p.Asp1029Glu)

Gene: SAMD9L (sterile alpha motif domain containing 9 like; minus strand). Cytogenetic location: 7q21.2.
Variant type: single nucleotide variant.
Coding change: c.3087C>G on transcript NM_152703.5 (MANE Select); coding-DNA position 3087, C replaced by G.
Protein change: p.Asp1029Glu; replaces aspartic acid 1029 with glutamic acid.
Molecular consequence: missense variant.
Genome position (GRCh38, 1-based): chr7:93,132,885, G>C on the plus strand (C>G on the coding strand, the complement: SAMD9L is on the minus strand). VCF-style: chr7-93132885-G-C. GRCh37 (hg19) VCF-style: chr7-92762198-G-C.
Other names: c.3087C>G, p.Asp1029Glu (NM_001303496.3, NM_001303497.3, NM_001303498.3 and 5 more transcripts); short protein forms D1029E.
Identifiers: ClinVar variation 5028927 (VCV005028927.1).
Genomic context (GRCh38, chr7:93,132,885, plus strand): 5'-ATCTCCATACACCTTGCGCTGTCTTGTAAGCAGAAGAGTTTGAACATCATGTTGAAATTT[G>C]TCTCTTCCTATTCCAGAATCATAGAATAAATTCTCTTCTAATATATTCAATGCAATTTGA-3'
Protein context (NP_689916.2, residues 1019-1039): NLFYDSGIGR[Asp1029Glu]KFQHDVQTLL

ClinVar aggregate classification (germline): Uncertain significance (1 of 4 stars; one submission).

Conditions:
Inborn genetic diseases. Identifiers: MedGen C0950123, MeSH D030342.

Submission:

Ambry Genetics
Classification: Uncertain significance for Inborn genetic diseases. Last evaluated: 2026-08-02. Review status: criteria provided, single submitter. Criteria: Ambry Variant Classification Scheme 2023. Collection method: clinical testing. Allele origin: germline.
Comment: The p.D1029E variant (also known as c.3087C>G), located in coding exon 1 of the SAMD9L gene, results from a C to G substitution at nucleotide position 3087. The aspartic acid at codon 1029 is replaced by glutamic acid, an amino acid with highly similar properties. This amino acid position is conserved. In addition, this alteration is predicted to be tolerated by in silico analysis. Based on the available evidence, the clinical significance of this variant remains unclear.